The following is an entry in ClinVar:

ClinVar aggregate classification (germline): Uncertain significance (1 of 4 stars; one submission).

Submission:

Labcorp Genetics (formerly Invitae), Labcorp
Classification: Uncertain significance. Last evaluated: 2020-11-14. Review status: criteria provided, single submitter. Criteria: Invitae Variant Classification Sherloc (09022015). Collection method: clinical testing. Allele origin: germline.
Comment: This variant disrupts a region of the protein in which other variant(s) (p.Ser990Arg) have been observed in individuals with SLC24A1-related conditions (PMID: 26822852). This suggests that this may be a clinically significant region of the SLC24A1 protein. This variant has not been reported in the literature in individuals with SLC24A1-related conditions. This variant is not present in population databases (ExAC no frequency). In summary, the available evidence is currently insufficient to determine the role of this variant in disease. Therefore, it has been classified as a Variant of Uncertain Significance. This sequence change creates a premature translational stop signal (p.Leu987Cysfs*18) in the SLC24A1 gene. While this is not anticipated to result in nonsense mediated decay, it is expected to disrupt the last 113 amino acid(s) of the SLC24A1 protein.

Literature cited by the submitters: PubMed 26822852.

NM_004727.3(SLC24A1):c.2958_2974del (p.Leu987fs)

Gene: SLC24A1 (solute carrier family 24 member 1; plus strand). Cytogenetic location: 15q22.31.
Variant type: Deletion.
Coding change: c.2958_2974del on transcript NM_004727.3 (MANE Select); coding-DNA positions 2958 to 2974, 17 bases deleted (CCTCATCACCAGTGTGA).
Protein change: p.Leu987fs; shifts the reading frame from leucine 987.
Molecular consequence: frameshift variant.
Genome position (GRCh38, 1-based): chr15:65,652,716-65,652,732, CCTCATCACCAGTGTGA deleted; deleting any 17 consecutive bases within chr15:65,652,713-65,652,732 gives the same sequence; the c. name uses the placement nearest the transcript's 3' end. VCF-style (leftmost placement, unchanged base first): chr15-65652712-CTGACCTCATCACCAGTG-C. GRCh37 (hg19) VCF-style: chr15-65945050-CTGACCTCATCACCAGTG-C.
Other names: c.939_955del, p.Leu314fs (NM_001254740.2); c.2868_2884del, p.Leu957fs (NM_001301031.1); c.2904_2920del, p.Leu969fs (NM_001301032.1, NM_001301033.2); short protein forms L314fs, L957fs, L987fs, L969fs.
Identifiers: ClinVar variation 1499894 (VCV001499894.8), dbSNP rs2141726789, ClinGen allele CA2573151051.
Genomic context (GRCh38, chr15:65,652,712, plus strand): 5'-CAATAGGGATTTCTGAAGAGATCATGGGCCTGACAATCCTTGCAGCAGGCACATCAATTC[CTGACCTCATCACCAGTG>C]TGATTGTCGCTCGAAAAGGCCTGGGAGACATGGCTGTGTCAAGCTCTGTGGGCAGTAACA-3'